The following is an entry in ClinVar:

ClinVar aggregate classification (germline): Uncertain significance (1 of 4 stars; one submission).

gnomAD v4.1: 9 of 1,613,520 alleles (0.00056%); highest among the groups gnomAD compares: Non-Finnish European, 0.00076%; no homozygotes.

Submission:

Labcorp Genetics (formerly Invitae), Labcorp
Classification: Uncertain significance. Last evaluated: 2025-04-22. Review status: criteria provided, single submitter. Criteria: Invitae Variant Classification Sherloc (09022015). Collection method: clinical testing. Allele origin: germline.
Comment: This sequence change replaces isoleucine, which is neutral and non-polar, with methionine, which is neutral and non-polar, at codon 1229 of the MYH3 protein (p.Ile1229Met). This variant is present in population databases (rs778389007, gnomAD 0.002%). This variant has not been reported in the literature in individuals affected with MYH3-related conditions. Invitae Evidence Modeling of protein sequence and biophysical properties (such as structural, functional, and spatial information, amino acid conservation, physicochemical variation, residue mobility, and thermodynamic stability) indicates that this missense variant is not expected to disrupt MYH3 protein function with a negative predictive value of 95%. In summary, the available evidence is currently insufficient to determine the role of this variant in disease. Therefore, it has been classified as a Variant of Uncertain Significance.

NM_002470.4(MYH3):c.3687C>G (p.Ile1229Met)

Gene: MYH3 (myosin heavy chain 3; minus strand). Cytogenetic location: 17p13.1.
Variant type: single nucleotide variant.
Coding change: c.3687C>G on transcript NM_002470.4 (MANE Select); coding-DNA position 3687, C replaced by G.
Protein change: p.Ile1229Met; replaces isoleucine 1229 with methionine.
Molecular consequence: missense variant.
Genome position (GRCh38, 1-based): chr17:10,638,085, G>C on the plus strand (C>G on the coding strand, the complement: MYH3 is on the minus strand). VCF-style: chr17-10638085-G-C. GRCh37 (hg19) VCF-style: chr17-10541402-G-C.
Other names: short protein forms I1229M.
Identifiers: ClinVar variation 4752456 (VCV004752456.1).
Genomic context (GRCh38, chr17:10,638,085, plus strand): 5'-CCCCACCCCGCGCAGCACCTTAGATTTCGACACACTCTCCATGCTGCTGGAGAGGTCATC[G>C]ATCTCCAGCTTGAACTCGCTCTTCTCCTTCTCCAGCTTCTGCTTGACCCGCTGCAGGTTG-3'
Protein context (NP_002461.2, residues 1219-1239): EKEKSEFKLE[Ile1229Met]DDLSSSMESV